The following is an entry in ClinVar:

NM_001366722.1(GRIP1):c.418+9A>G

Gene: GRIP1 (glutamate receptor interacting protein 1; minus strand). Cytogenetic location: 12q14.3.
Variant type: single nucleotide variant.
Coding change: c.418+9A>G on transcript NM_001366722.1 (MANE Select); 9 bases into the intron after coding-DNA position 418, A replaced by G.
Molecular consequence: intron variant.
Genome position (GRCh38, 1-based): chr12:66,539,069, T>C on the plus strand (A>G on the coding strand, the complement: GRIP1 is on the minus strand). VCF-style: chr12-66539069-T-C. GRCh37 (hg19) VCF-style: chr12-66932849-T-C.
Other names: c.496+9A>G (NM_001379345.1, NM_001379348.1, NM_001366723.1 and 2 more transcripts); c.418+9A>G (NM_001178074.2, NM_021150.4, NM_001379346.1 and 1 more transcripts); c.421+9A>G (NM_001379351.1, NM_001379349.1).
Identifiers: ClinVar variation 2138246 (VCV002138246.8), dbSNP rs376412451, ClinGen allele CA6674669.

ClinVar aggregate classification (germline): Likely benign. Review status: criteria provided, multiple submitters, no conflicts (2 of 4 stars). 3 submissions from 3 submitters: Likely benign (2). 1 of the submissions does not count toward it. Last evaluated 2026-01-26.

Conditions:
GRIP1-related disorder. Also called: GRIP1-related condition.

Allele frequency attached by ClinVar (database versions not stated): gnomAD 0.00039; TOPMed 0.00039; ESP Exome Variant Server 0.00042; ExAC 0.00046; gnomAD exomes 0.00055.
gnomAD v4.1: 839 of 1,612,590 alleles (0.052%); highest among the groups gnomAD compares: Non-Finnish European, 0.066%; 3 homozygotes.

Submissions (4):

Labcorp Genetics (formerly Invitae), Labcorp
Classification: Likely benign. Last evaluated: 2026-01-26. Review status: criteria provided, single submitter. Criteria: Invitae Variant Classification Sherloc (09022015). Collection method: clinical testing. Allele origin: germline.

Blueprint Genetics
Classification: Likely benign. Last evaluated: 2024-11-14. Review status: criteria provided, single submitter. Criteria: ACMG Guidelines, 2015. Collection method: clinical testing. Allele origin: germline.

PreventionGenetics, part of Exact Sciences
Classification: Likely benign for GRIP1-related condition. Last evaluated: 2021-02-05. Review status: no assertion criteria provided. Collection method: clinical testing. Allele origin: germline. Not counted in ClinVar's aggregate classification.
Comment: This variant is classified as likely benign based on ACMG/AMP sequence variant interpretation guidelines (Richards et al. 2015 PMID: 25741868, with internal and published modifications).

Dr. Peter K. Rogan Lab, Western University
No classification provided (evidence only). Condition: Malignant tumor of esophagus. Review status: no classification provided. Collection method: in vitro. Allele origin: not applicable. Functional consequence: retained intron. Not counted in ClinVar's aggregate classification.